The following is an entry in ClinVar:

NM_001127649.3(PEX26):c.817T>G (p.Ser273Ala)

Gene: PEX26 (peroxisomal biogenesis factor 26; plus strand). Cytogenetic location: 22q11.21.
Variant type: single nucleotide variant.
Coding change: c.817T>G on transcript NM_001127649.3 (MANE Select); coding-DNA position 817, T replaced by G.
Protein change: p.Ser273Ala; replaces serine 273 with alanine.
Molecular consequence: missense variant.
Genome position (GRCh38, 1-based): chr22:18,087,974, T>G. VCF-style: chr22-18087974-T-G. GRCh37 (hg19) VCF-style: chr22-18570740-T-G.
Other names: c.670T>G, p.Ser224Ala (NM_001199319.2); c.817T>G, p.Ser273Ala (NM_017929.6); short protein forms S273A, S224A.
Identifiers: ClinVar variation 499983 (VCV000499983.12), dbSNP rs745490062, ClinGen allele CA10093427.

ClinVar aggregate classification (germline): Uncertain significance. Review status: criteria provided, multiple submitters, no conflicts (2 of 4 stars). 2 submissions from 2 submitters: Uncertain significance (2). Last evaluated 2022-03-10.

Conditions:
Peroxisome biogenesis disorder 7A (Zellweger). Also called: Peroxisome biogenesis disorder 7A. Identifiers: Orphanet 912, MedGen C3888385, MONDO:0013938, OMIM 614872.
Peroxisome biogenesis disorder 7B (PBD7B). Identifiers: Orphanet 44, MedGen C3553951, MONDO:0013939, OMIM 614873.

Allele frequency attached by ClinVar (database versions not stated): gnomAD exomes below 0.00001; TOPMed 0.00002; ExAC 0.00001; gnomAD 0.00001.

Submissions (2):

Labcorp Genetics (formerly Invitae), Labcorp
Classification: Uncertain significance for Peroxisome biogenesis disorder 7A (Zellweger); Peroxisome biogenesis disorder 7B. Last evaluated: 2022-03-10. Review status: criteria provided, single submitter. Criteria: Invitae Variant Classification Sherloc (09022015). Collection method: clinical testing. Allele origin: germline.
Comment: This sequence change replaces serine, which is neutral and polar, with alanine, which is neutral and non-polar, at codon 273 of the PEX26 protein (p.Ser273Ala). This variant is present in population databases (rs745490062, gnomAD 0.007%). This variant has not been reported in the literature in individuals affected with PEX26-related conditions. ClinVar contains an entry for this variant (Variation ID: 499983). Algorithms developed to predict the effect of missense changes on protein structure and function output the following: SIFT: "Tolerated"; PolyPhen-2: "Benign"; Align-GVGD: "Class C0". The alanine amino acid residue is found in multiple mammalian species, which suggests that this missense change does not adversely affect protein function. In summary, the available evidence is currently insufficient to determine the role of this variant in disease. Therefore, it has been classified as a Variant of Uncertain Significance.

Eurofins Ntd Llc (ga)
Classification: Uncertain significance. Last evaluated: 2017-01-16. Review status: criteria provided, single submitter. Criteria: EGL Classification Definitions 2015. Collection method: clinical testing. Allele origin: germline. Observed: 1 variant allele, 1 heterozygote.